The following is an entry in ClinVar:

NM_001040142.2(SCN2A):c.5563C>A (p.Leu1855Ile)

Gene: SCN2A (sodium voltage-gated channel alpha subunit 2; plus strand). Cytogenetic location: 2q24.3.
Variant type: single nucleotide variant.
Coding change: c.5563C>A on transcript NM_001040142.2 (MANE Select); coding-DNA position 5563, C replaced by A.
Protein change: p.Leu1855Ile; replaces leucine 1855 with isoleucine.
Molecular consequence: missense variant.
Genome position (GRCh38, 1-based): chr2:165,389,369, C>A. VCF-style: chr2-165389369-C-A. GRCh37 (hg19) VCF-style: chr2-166245879-C-A.
Other names: c.5563C>A, p.Leu1855Ile (NM_001040143.2, NM_001371246.1, NM_001371247.1 and 1 more transcripts); short protein forms L1855I.
Identifiers: ClinVar variation 1176401 (VCV001176401.38), dbSNP rs2105403397, ClinGen allele CA349039369.

ClinVar aggregate classification (germline): Conflicting classifications of pathogenicity. Review status: criteria provided, conflicting classifications (1 of 4 stars). 2 submissions from 2 submitters: Pathogenic (1); Uncertain significance (1). Last evaluated 2023-02-23.

Conditions:
Seizures, benign familial infantile, 3 (BFIS3). Also called: Familial neonatal seizures; CONVULSIONS, BENIGN FAMILIAL INFANTILE, 3. Identifiers: Orphanet 140927, Orphanet 306, MedGen C1843140, MONDO:0011904, OMIM 607745.
Developmental and epileptic encephalopathy, 11 (DEE11). Also called: Early infantile epileptic encephalopathy 11. Identifiers: Orphanet 1934, MedGen C3150987, MONDO:0013388, OMIM 613721.

Submissions (2):

Labcorp Genetics (formerly Invitae), Labcorp
Classification: Pathogenic for Seizures, benign familial infantile, 3; Developmental and epileptic encephalopathy, 11. Last evaluated: 2023-02-23. Review status: criteria provided, single submitter. Criteria: Invitae Variant Classification Sherloc (09022015). Collection method: clinical testing. Allele origin: germline.
Comment: For these reasons, this variant has been classified as Pathogenic. Advanced modeling of protein sequence and biophysical properties (such as structural, functional, and spatial information, amino acid conservation, physicochemical variation, residue mobility, and thermodynamic stability) performed at Invitae indicates that this missense variant is expected to disrupt SCN2A protein function. ClinVar contains an entry for this variant (Variation ID: 1176401). This missense change has been observed in individual(s) with a personal history of seizures (Invitae). In at least one individual the variant was observed to be de novo. This variant is not present in population databases (gnomAD no frequency). This sequence change replaces leucine, which is neutral and non-polar, with isoleucine, which is neutral and non-polar, at codon 1855 of the SCN2A protein (p.Leu1855Ile).

CeGaT Center for Human Genetics Tuebingen
Classification: Uncertain significance. Last evaluated: 2021-06-01. Review status: criteria provided, single submitter. Criteria: CeGaT Center For Human Genetics Tuebingen Variant Classification Criteria Version 2. Collection method: clinical testing. Allele origin: germline. Affected: yes. Observed: 1 variant allele.